The following is an entry in ClinVar:

NM_014336.5(AIPL1):c.237G>T (p.Met79Ile)

Gene: AIPL1 (AIP like 1 HSP90 co-chaperone; minus strand). Cytogenetic location: 17p13.2.
Variant type: single nucleotide variant.
Coding change: c.237G>T on transcript NM_014336.5 (MANE Select); coding-DNA position 237, G replaced by T.
Protein change: p.Met79Ile; replaces methionine 79 with isoleucine.
Molecular consequence: missense variant. On other transcripts: intron variant (1).
Genome position (GRCh38, 1-based): chr17:6,433,958, C>A on the plus strand (G>T on the coding strand, the complement: AIPL1 is on the minus strand). VCF-style: chr17-6433958-C-A. GRCh37 (hg19) VCF-style: chr17-6337278-C-A.
Other names: c.171G>T, p.Met57Ile (NM_001285400.3); c.237G>T, p.Met79Ile (NM_001285401.3, NM_001285403.4, NM_001033054.3); c.120G>T, p.Met40Ile (NM_001285402.2); c.96+1051G>T (NM_001033055.3); c.201G>T, p.Met67Ile (NM_001285399.3); short protein forms M40I, M57I, M67I, M79I.
Identifiers: ClinVar variation 4855028 (VCV004855028.1).
Genomic context (GRCh38, chr17:6,433,958, plus strand): 5'-AGGCGCGCAGGGCCTACTTACGATGGTGTCGCACCAGAACTCGGCCACCTCGTGCACCCG[C>A]ATGGAGGTAAGCAGGATCTCCCAGACCTCGAGCTTGAACATGTTTCCGATGATGATGTGC-3'
Protein context (NP_055151.3, residues 69-89): LEVWEILLTS[Met79Ile]RVHEVAEFWC

ClinVar aggregate classification (germline): Uncertain significance (1 of 4 stars; one submission).

Conditions:
Leber congenital amaurosis 4 (LCA4). Identifiers: MedGen C1858386, MONDO:0011458, OMIM 604393.

Submission:

3billion
Classification: Uncertain significance for Leber congenital amaurosis 4. Last evaluated: 2025-11-27. Review status: criteria provided, single submitter. Criteria: ACMG Guidelines, 2015. Collection method: clinical testing. Allele origin: germline. Affected: yes.
Comment: The variant is not observed in the gnomAD v4.1.0 dataset. Predicted Consequence/Location: Missense variant In silico tool predictions suggest damaging effect of the variant on gene or gene product [REVEL: 0.81 (>=0.6, sensitivity 0.68 and specificity 0.92); 3Cnet: 0.91 (> 0.75, sensitivity 0.96 and precision 0.92)]. The different nucleotide change resulting in the same amino acid change has been previously reported to be associated with AIPL1-related disorder(PMID: 38880373).A different missense change at the same codon (p.Met79Thr) has been reported to be associated with AIPL1-related disorder (PMID: 10873396).However the evidence of pathogenicity is insufficient at this time. Therefore, this variant is classified as VUS according to the recommendation of ACMG/AMP guideline.

Literature cited by the submitters: PubMed 10873396; PubMed 38880373.